The following is an entry in ClinVar:

ClinVar aggregate classification (germline): Conflicting classifications of pathogenicity. Review status: criteria provided, conflicting classifications (1 of 4 stars). 18 submissions from 18 submitters: Uncertain significance (3); Benign (4); Likely benign (7). 4 of the submissions do not count toward it. Last evaluated 2026-06-01.

Conditions:
DSC2-related disorder. Also called: DSC2-related condition.
Cardiovascular phenotype. Identifiers: MedGen CN230736.
Cardiomyopathy (CMYO). Also called: Cardiomyopathies. Identifiers: Orphanet 167848, MedGen C0878544, MONDO:0004994, HP:0001638. Inheritance: Various modes of inheritance.
Arrhythmogenic right ventricular dysplasia 11. Also called: Arrhythmogenic Right Ventricular Dysplasia/Cardiomyopathy11; Arrhythmogenic right ventricular dysplasia 11 with mild palmoplantar keratoderma and woolly hair; ARRHYTHMOGENIC RIGHT VENTRICULAR DYSPLASIA, FAMILIAL, 11. Identifiers: MedGen C1864850, MONDO:0012506, OMIM 610476.
Hypertrophic cardiomyopathy. Also called: HYPERTROPHIC MYOCARDIOPATHY. Identifiers: Orphanet 217569, MedGen C0007194, MeSH D002312, MONDO:0005045, HP:0001639.

Allele frequency attached by ClinVar (database versions not stated): gnomAD exomes 0.00033 and 0.00054; gnomAD 0.00036 and 0.00040; TOPMed 0.00040; ExAC 0.00042; ESP Exome Variant Server 0.00069.
gnomAD v4.1: 568 of 1,613,820 alleles (0.035%); highest among the groups gnomAD compares: Middle Eastern, 0.84%; 3 homozygotes.

Submissions (18):

CeGaT Center for Human Genetics Tuebingen
Classification: Likely benign. Last evaluated: 2026-06-01. Review status: criteria provided, single submitter. Criteria: CeGaT Center For Human Genetics Tuebingen Variant Classification Criteria Version 2. Collection method: clinical testing. Allele origin: germline. Affected: yes. Observed: 15 variant alleles.
Comment: DSC2: BP4

Labcorp Genetics (formerly Invitae), Labcorp
Classification: Benign for Arrhythmogenic right ventricular dysplasia 11. Last evaluated: 2026-01-31. Review status: criteria provided, single submitter. Criteria: Invitae Variant Classification Sherloc (09022015). Collection method: clinical testing. Allele origin: germline.

Molecular Diagnostic Laboratory for Inherited Cardiovascular Disease, Montreal Heart Institute
Classification: Likely benign. Last evaluated: 2025-04-09. Review status: criteria provided, single submitter. Criteria: ACMG Guidelines, 2015. Collection method: clinical testing. Allele origin: germline. Affected: no.
Comment: BS1;BP4;BP5;BP6

Blueprint Genetics
Classification: Likely benign. Last evaluated: 2024-11-25. Review status: criteria provided, single submitter. Criteria: ACMG Guidelines, 2015. Collection method: clinical testing. Allele origin: germline.

GeneDx
Classification: Likely benign. Last evaluated: 2020-11-25. Review status: criteria provided, single submitter. Criteria: GeneDx Variant Classification Process June 2021. Collection method: clinical testing. Allele origin: germline. Affected: yes.
Comment: This variant is associated with the following publications: (PMID: 21606396, 23861362, 20031617, 20716751, 20152563, 20857253, 20829228)

Women's Health and Genetics/Laboratory Corporation of America, LabCorp
Classification: Benign. Last evaluated: 2020-08-17. Review status: criteria provided, single submitter. Criteria: LabCorp Variant Classification Summary - May 2015. Collection method: clinical testing. Allele origin: germline.
Comment: Variant summary: DSC2 c.1914G>C (p.Gln638His) results in a non-conservative amino acid change located in the Cadherin-like domain (IPR002126) of the encoded protein sequence. Four of five in-silico tools predict a benign effect of the variant on protein function. The variant allele was found at a frequency of 0.00054 in 252554 control chromosomes, predominantly at a frequency of 0.00069 within the South Asian subpopulation in the gnomAD database. The observed variant frequency within South Asian control individuals in the gnomAD database is approximately 28 fold of the estimated maximal expected allele frequency for a pathogenic variant in DSC2 causing Cardiomyopathy phenotype (2.5e-05), strongly suggesting that the variant is a benign polymorphism found primarily in populations of South Asian origin. c.1914G>C has been reported in the literature in individuals affected with Dilated Cardiomyopathy (DCM) and Arrhythmogenic Right Ventricular Cardiomyopathy (ARVC, Elliott_2010, Xu_2010). These report(s) do not provide unequivocal conclusions about association of the variant with Cardiomyopathy. To our knowledge, no experimental evidence demonstrating an impact on protein function has been reported. Eight clinical diagnostic laboratories have submitted clinical-significance assessments for this variant to ClinVar after 2014 without evidence for independent evaluation. Multiple laboratories reported the variant with conflicting assessments (likely benign/benign, n=5). Based on the evidence outlined above, the variant was re-classified as benign.

Color Diagnostics, LLC DBA Color Health
Classification: Benign for Cardiomyopathy. Last evaluated: 2018-06-05. Review status: criteria provided, single submitter. Criteria: ACMG Guidelines, 2015. Collection method: clinical testing. Allele origin: germline.

Ambry Genetics
Classification: Likely benign for Cardiovascular phenotype. Last evaluated: 2018-05-22. Review status: criteria provided, single submitter. Criteria: Ambry Variant Classification Scheme 2023. Collection method: clinical testing. Allele origin: germline.

Center for Advanced Laboratory Medicine, UC San Diego Health, University of California San Diego
Classification: Likely benign for Hypertrophic cardiomyopathy. Last evaluated: 2018-03-12. Review status: criteria provided, single submitter. Criteria: ACMG Guidelines, 2015. Collection method: clinical testing. Allele origin: germline. Affected: yes. Observed: 1 variant allele.

Illumina Laboratory Services, Illumina
Classification: Uncertain significance for Arrhythmogenic right ventricular dysplasia 11. Last evaluated: 2018-02-05. Review status: criteria provided, single submitter. Criteria: ICSL Variant Classification Criteria 13 December 2019. Collection method: clinical testing. Allele origin: germline.

CHEO Genetics Diagnostic Laboratory, Children's Hospital of Eastern Ontario
Classification: Benign for Cardiomyopathy. Last evaluated: 2017-11-24. Review status: criteria provided, single submitter. Criteria: ACMG Guidelines, 2015. Collection method: clinical testing. Allele origin: germline.

Eurofins Ntd Llc (ga)
Classification: Uncertain significance. Last evaluated: 2017-01-19. Review status: criteria provided, single submitter. Criteria: EGL Classification Definitions 2015. Collection method: clinical testing. Allele origin: germline. Observed: 1 variant allele, 1 heterozygote.

Laboratory for Molecular Medicine, Mass General Brigham Personalized Medicine
Classification: Uncertain significance. Last evaluated: 2015-12-10. Review status: criteria provided, single submitter. Criteria: LMM Criteria. Collection method: clinical testing. Allele origin: germline. Observed: 3 variant alleles.
Comment: The p.Gln638His variant in DSC2 has been reported in at least 4 individuals with a range of phenotypes (DCM, ARVD/C, HCM) (Elliot 2010, Cox 2011, LMM unpublishe d data). This variant has been identified in 0.1% (11/16342) of South Asian chr omosomes by the Exome Aggregation Consortium (db SNP rs147742157) and once in another control population in the literature (Den H aan 2009). Computational prediction tools and conservation analysis suggest that the p.Gln638His variant may not impact the protein, though this information is not predictive enough to rule out pathogenicity. In summary, the clinical signif icance of the p.Gln638His variant is uncertain.

Biesecker Lab/Clinical Genomics Section, National Institutes of Health
Classification: Likely benign. Last evaluated: 2013-06-24. Review status: criteria provided, single submitter. Criteria: Ng et al. (Circ Cardiovasc Genet. 2013). Collection method: research. Allele origin: unknown. Observed: 2 variant alleles. Study: ClinSeq.
Comment: The study set was not selected for affection status in relation to any cancer. Pathogenicity categories were based on literature curation. See Pubmed ID:23861362 for details.

Medical sequencing

PreventionGenetics, part of Exact Sciences
Classification: Likely benign for DSC2-related condition. Last evaluated: 2023-04-11. Review status: no assertion criteria provided. Collection method: clinical testing. Allele origin: germline. Not counted in ClinVar's aggregate classification.
Comment: This variant is classified as likely benign based on ACMG/AMP sequence variant interpretation guidelines (Richards et al. 2015 PMID: 25741868, with internal and published modifications).

Clinical Genetics, Academic Medical Center
Classification: Likely benign. Review status: no assertion criteria provided. Collection method: clinical testing. Allele origin: germline. Affected: yes. Study: VKGL Data-share Consensus. Not counted in ClinVar's aggregate classification.

Genome Diagnostics Laboratory, University Medical Center Utrecht
Classification: Likely benign. Review status: no assertion criteria provided. Collection method: clinical testing. Allele origin: germline. Affected: yes. Study: VKGL Data-share Consensus. Not counted in ClinVar's aggregate classification.

Joint Genome Diagnostic Labs from Nijmegen and Maastricht, Radboudumc and MUMC+
Classification: Likely benign. Review status: no assertion criteria provided. Collection method: clinical testing. Allele origin: germline. Affected: yes. Study: VKGL Data-share Consensus. Not counted in ClinVar's aggregate classification.

Literature cited by the submitters: PubMed 20152563 (cited by 3 submitters); PubMed 20857253 (cited by Women's Health and Genetics/Laboratory Corporation of America, LabCorp); PubMed 20716751 (cited by 3 submitters); PubMed 20031617 (cited by Eurofins Ntd Llc (ga) and Laboratory for Molecular Medicine, Mass General Brigham Personalized Medicine); PubMed 21606396 (cited by Eurofins Ntd Llc (ga) and Laboratory for Molecular Medicine, Mass General Brigham Personalized Medicine).

NM_024422.6(DSC2):c.1914G>C (p.Gln638His)

Gene: DSC2 (desmocollin 2; minus strand). Cytogenetic location: 18q12.1.
Variant type: single nucleotide variant.
Coding change: c.1914G>C on transcript NM_024422.6 (MANE Select); coding-DNA position 1914, G replaced by C.
Protein change: p.Gln638His; replaces glutamine 638 with histidine.
Molecular consequence: missense variant.
Genome position (GRCh38, 1-based): chr18:31,071,816, C>G on the plus strand (G>C on the coding strand, the complement: DSC2 is on the minus strand). VCF-style: chr18-31071816-C-G. GRCh37 (hg19) VCF-style: chr18-28651782-C-G.
Other names: p.Q638H:CAG>CAC; c.1914G>C, p.Gln638His (NM_004949.5); short protein forms Q638H.
Identifiers: ClinVar variation 46173 (VCV000046173.70), dbSNP rs147742157, ClinGen allele CA022587.